The following is an entry in ClinVar:

NM_001330078.2(NRXN1):c.476C>T (p.Pro159Leu)

Gene: NRXN1 (neurexin 1; minus strand). Cytogenetic location: 2p16.3.
Variant type: single nucleotide variant.
Coding change: c.476C>T on transcript NM_001330078.2 (MANE Select); coding-DNA position 476, C replaced by T.
Protein change: p.Pro159Leu; replaces proline 159 with leucine.
Molecular consequence: missense variant.
Genome position (GRCh38, 1-based): chr2:51,027,798, G>A on the plus strand (C>T on the coding strand, the complement: NRXN1 is on the minus strand). VCF-style: chr2-51027798-G-A. GRCh37 (hg19) VCF-style: chr2-51254936-G-A.
Other names: p.P159L:CCC>CTC; c.476C>T, p.Pro159Leu (NM_001135659.3, NM_001330077.2, NM_001330079.2 and 15 more transcripts); short protein forms P159L.
Identifiers: ClinVar variation 206239 (VCV000206239.18), dbSNP rs373070672, ClinGen allele CA316127.

ClinVar aggregate classification (germline): Uncertain significance. Review status: criteria provided, multiple submitters, no conflicts (2 of 4 stars). 3 submissions from 3 submitters: Uncertain significance (3). Last evaluated 2025-11-02.

Conditions:
Inborn genetic diseases. Identifiers: MedGen C0950123, MeSH D030342.
Pitt-Hopkins-like syndrome 2 (PTHSL2). Identifiers: Orphanet 221150, Orphanet 600663, MedGen C3280479, MONDO:0013690, OMIM 614325.

Allele frequency attached by ClinVar (database versions not stated): gnomAD 0.00002 and 0.00003; TOPMed 0.00003; ExAC 0.00008; ESP Exome Variant Server 0.00008.
gnomAD v4.1: 31 of 1,612,974 alleles (0.0019%); highest among the groups gnomAD compares: Non-Finnish European, 0.0025%; no homozygotes.

Submissions (3):

Labcorp Genetics (formerly Invitae), Labcorp
Classification: Uncertain significance for Pitt-Hopkins-like syndrome 2. Last evaluated: 2025-11-02. Review status: criteria provided, single submitter. Criteria: Invitae Variant Classification Sherloc (09022015). Collection method: clinical testing. Allele origin: germline.
Comment: This sequence change replaces proline, which is neutral and non-polar, with leucine, which is neutral and non-polar, at codon 159 of the NRXN1 protein (p.Pro159Leu). This variant is present in population databases (rs373070672, gnomAD 0.01%). This variant has not been reported in the literature in individuals affected with NRXN1-related conditions. ClinVar contains an entry for this variant (Variation ID: 206239). An algorithm developed to predict the effect of missense changes on protein structure and function (PolyPhen-2) suggests that this variant is likely to be tolerated. In summary, the available evidence is currently insufficient to determine the role of this variant in disease. Therefore, it has been classified as a Variant of Uncertain Significance.

GeneDx
Classification: Uncertain significance. Last evaluated: 2024-11-12. Review status: criteria provided, single submitter. Criteria: GeneDx Variant Classification Process June 2021. Collection method: clinical testing. Allele origin: germline. Affected: yes.
Comment: In silico analysis supports that this missense variant has a deleterious effect on protein structure/function; Missense variant in a gene in which most reported pathogenic variants are truncating/loss of function; Has not been previously published as pathogenic or benign to our knowledge

Ambry Genetics
Classification: Uncertain significance for Inborn genetic diseases. Last evaluated: 2022-08-05. Review status: criteria provided, single submitter. Criteria: Ambry Variant Classification Scheme 2023. Collection method: clinical testing. Allele origin: germline.